The following is an entry in ClinVar:

ClinVar aggregate classification (germline): Uncertain significance (1 of 4 stars; one submission).

gnomAD v4.1: 1 of 1,614,044 alleles (0.000062%); highest among the groups gnomAD compares: Non-Finnish European, 0.000085%; no homozygotes.

Submission:

Labcorp Genetics (formerly Invitae), Labcorp
Classification: Uncertain significance. Last evaluated: 2022-03-18. Review status: criteria provided, single submitter. Criteria: Invitae Variant Classification Sherloc (09022015). Collection method: clinical testing. Allele origin: germline.
Comment: In summary, the available evidence is currently insufficient to determine the role of this variant in disease. Therefore, it has been classified as a Variant of Uncertain Significance. Advanced modeling of protein sequence and biophysical properties (such as structural, functional, and spatial information, amino acid conservation, physicochemical variation, residue mobility, and thermodynamic stability) performed at Invitae indicates that this missense variant is not expected to disrupt ABCC6 protein function. This variant has not been reported in the literature in individuals affected with ABCC6-related conditions. This variant is present in population databases (rs778911783, gnomAD 0.0009%). This sequence change replaces aspartic acid, which is acidic and polar, with asparagine, which is neutral and polar, at codon 898 of the ABCC6 protein (p.Asp898Asn).

NM_001171.6(ABCC6):c.2692G>A (p.Asp898Asn)

Gene: ABCC6 (ATP binding cassette subfamily C member 6; minus strand). Cytogenetic location: 16p13.11.
Variant type: single nucleotide variant.
Coding change: c.2692G>A on transcript NM_001171.6 (MANE Select); coding-DNA position 2692, G replaced by A.
Protein change: p.Asp898Asn; replaces aspartic acid 898 with asparagine.
Molecular consequence: missense variant. On other transcripts: non-coding transcript variant (1).
Genome position (GRCh38, 1-based): chr16:16,173,379, C>T on the plus strand (G>A on the coding strand, the complement: ABCC6 is on the minus strand). VCF-style: chr16-16173379-C-T. GRCh37 (hg19) VCF-style: chr16-16267236-C-T.
Other names: c.2350G>A, p.Asp784Asn (NM_001351800.1); short protein forms D784N, D898N.
Identifiers: ClinVar variation 1944028 (VCV001944028.4), dbSNP rs778911783, ClinGen allele CA7925814.